The following is an entry in ClinVar:

NM_153252.5(BRWD3):c.752T>C (p.Leu251Pro)

Gene: BRWD3 (bromodomain and WD repeat domain containing 3; minus strand). Cytogenetic location: Xq21.1.
Variant type: single nucleotide variant.
Coding change: c.752T>C on transcript NM_153252.5 (MANE Select); coding-DNA position 752, T replaced by C.
Protein change: p.Leu251Pro; replaces leucine 251 with proline.
Molecular consequence: missense variant.
Genome position (GRCh38, 1-based): chrX:80,744,093, A>G on the plus strand (T>C on the coding strand, the complement: BRWD3 is on the minus strand). VCF-style: chrX-80744093-A-G. GRCh37 (hg19) VCF-style: chrX-79999592-A-G.
Other names: short protein forms L251P.
Identifiers: ClinVar variation 3766376 (VCV003766376.1).

ClinVar aggregate classification (germline): Uncertain significance (1 of 4 stars; one submission).

Submission:

GeneDx
Classification: Uncertain significance. Last evaluated: 2024-08-26. Review status: criteria provided, single submitter. Criteria: GeneDx Variant Classification Process June 2021. Collection method: clinical testing. Allele origin: germline. Affected: yes.
Comment: Not observed at significant frequency in large population cohorts (gnomAD); In silico analysis supports that this missense variant has a deleterious effect on protein structure/function; Has not been previously published as pathogenic or benign to our knowledge